The following is an entry in ClinVar:

ClinVar aggregate classification (germline): Uncertain significance. Review status: criteria provided, multiple submitters, no conflicts (2 of 4 stars). 2 submissions from 2 submitters: Uncertain significance (2). Last evaluated 2024-04-12.

Conditions:
Inborn genetic diseases. Identifiers: MedGen C0950123, MeSH D030342.

Submissions (2):

Ambry Genetics
Classification: Uncertain significance for Inborn genetic diseases. Last evaluated: 2024-04-12. Review status: criteria provided, single submitter. Criteria: Ambry Variant Classification Scheme 2023. Collection method: clinical testing. Allele origin: germline.

Labcorp Genetics (formerly Invitae), Labcorp
Classification: Uncertain significance. Last evaluated: 2023-05-15. Review status: criteria provided, single submitter. Criteria: Invitae Variant Classification Sherloc (09022015). Collection method: clinical testing. Allele origin: germline.
Comment: This sequence change replaces threonine, which is neutral and polar, with alanine, which is neutral and non-polar, at codon 809 of the FN1 protein (p.Thr809Ala). This variant is not present in population databases (gnomAD no frequency). In summary, the available evidence is currently insufficient to determine the role of this variant in disease. Therefore, it has been classified as a Variant of Uncertain Significance. Advanced modeling of protein sequence and biophysical properties (such as structural, functional, and spatial information, amino acid conservation, physicochemical variation, residue mobility, and thermodynamic stability) has been performed at Invitae for this missense variant, however the output from this modeling did not meet the statistical confidence thresholds required to predict the impact of this variant on FN1 protein function. ClinVar contains an entry for this variant (Variation ID: 1450263). This variant has not been reported in the literature in individuals affected with FN1-related conditions.

NM_212482.4(FN1):c.2425A>G (p.Thr809Ala)

Gene: FN1 (fibronectin 1; minus strand). Cytogenetic location: 2q35.
Variant type: single nucleotide variant.
Coding change: c.2425A>G on transcript NM_212482.4 (MANE Select); coding-DNA position 2425, A replaced by G.
Protein change: p.Thr809Ala; replaces threonine 809 with alanine.
Molecular consequence: missense variant.
Genome position (GRCh38, 1-based): chr2:215,408,301, T>C on the plus strand (A>G on the coding strand, the complement: FN1 is on the minus strand). VCF-style: chr2-215408301-T-C. GRCh37 (hg19) VCF-style: chr2-216273024-T-C.
Other names: c.2425A>G, p.Thr809Ala (NM_001306129.2, NM_001306130.2, NM_001306131.2 and 13 more transcripts); c.2425A>G (NM_212482.1); short protein forms T809A.
Identifiers: ClinVar variation 1450263 (VCV001450263.7), dbSNP rs2106284421, ClinGen allele CA350491163.